The following is an entry in ClinVar:

ClinVar aggregate classification (germline): Benign. Review status: criteria provided, multiple submitters, no conflicts (2 of 4 stars). 4 submissions from 2 submitters: Benign (4). Last evaluated 2018-01-13.

Conditions:
Corticosterone 18-monooxygenase deficiency. Also called: ALDOSTERONE DEFICIENCY DUE TO DEFECT IN STEROID 18-HYDROXYLASE; ALDOSTERONE DEFICIENCY I; CMO I DEFICIENCY; STEROID 18-HYDROXYLASE DEFICIENCY; 18 Hydroxylase deficiency; Aldosterone deficiency due to defect in 18 hydroxylase. Identifiers: Orphanet 427, MedGen C0268293, MONDO:0008751, OMIM 203400. Disease mechanism: loss of function.
Corticosterone methyloxidase type 2 deficiency. Also called: 18-OXIDASE DEFICIENCY; ALDOSTERONE DEFICIENCY DUE TO DEFICIENCY OF STEROID 18-OXIDASE; ALDOSTERONE DEFICIENCY II; CMO II DEFICIENCY; STEROID 18-OXIDASE DEFICIENCY. Identifiers: Orphanet 427, MedGen C3463917, MONDO:0012524, OMIM 610600. Disease mechanism: loss of function.
Glucocorticoid-remediable aldosteronism. Also called: Hyperaldosteronism, familial, type I; ACTH-DEPENDENT HYPERALDOSTERONISM SYNDROME; ALDOSTERONISM, SENSITIVE TO DEXAMETHASONE; FH I; GLUCOCORTICOID-SUPPRESSIBLE HYPERALDOSTERONISM. Identifiers: Orphanet 403, MedGen C3838731, MONDO:0007080, OMIM 103900.

Allele frequency attached by ClinVar (database versions not stated): gnomAD 0.05319 and 0.06246; gnomAD exomes 0.06167; TOPMed 0.06542; 1000 Genomes Project 30x 0.15881; 1000 Genomes Project 0.16933.

Submissions (4):

Illumina Laboratory Services, Illumina
Classification: Benign for Corticosterone 18-monooxygenase deficiency. Last evaluated: 2018-01-13. Review status: criteria provided, single submitter. Criteria: ICSL Variant Classification Criteria 13 December 2019. Collection method: clinical testing. Allele origin: germline.
Comment: This variant was observed in the ICSL laboratory as part of a predisposition screen in an ostensibly healthy population. It had not been previously curated by ICSL or reported in the Human Gene Mutation Database (HGMD: prior to June 1st, 2018), and was therefore a candidate for classification through an automated scoring system. Utilizing variant allele frequency, disease prevalence and penetrance estimates, and inheritance mode, an automated score was calculated to assess if this variant is too frequent to cause the disease. Based on the score and internal cut-off values, a variant classified as benign is not then subjected to further curation. The score for this variant resulted in a classification of benign for this disease.

Illumina Laboratory Services, Illumina
Classification: Benign for Corticosterone methyloxidase type 2 deficiency. Last evaluated: 2018-01-13. Review status: criteria provided, single submitter. Criteria: ICSL Variant Classification Criteria 13 December 2019. Collection method: clinical testing. Allele origin: germline.
Comment: the same text as in the submission from Illumina Laboratory Services, Illumina above.

Illumina Laboratory Services, Illumina
Classification: Benign for Hyperaldosteronism, familial, type I. Last evaluated: 2018-01-13. Review status: criteria provided, single submitter. Criteria: ICSL Variant Classification Criteria 13 December 2019. Collection method: clinical testing. Allele origin: germline.
Comment: the same text as in the submission from Illumina Laboratory Services, Illumina above.

Breakthrough Genomics
Classification: Benign. Review status: criteria provided, single submitter. Criteria: ACMG Guidelines, 2015. Collection method: not provided. Allele origin: germline. Inheritance: Autosomal recessive inheritance. Affected: yes.

NM_000498.3(CYP11B2):c.*537C>T

Genes: CYP11B2 (cytochrome P450 family 11 subfamily B member 2; minus strand), LOC106799834 (CYP11B2 recombination region; plus strand). Cytogenetic location: 8q24.3.
Variant type: single nucleotide variant.
Coding change: c.*537C>T on transcript NM_000498.3 (MANE Select); 537 bases downstream of the stop codon, C replaced by T.
Molecular consequence: 3 prime UTR variant.
Genome position (GRCh38, 1-based): chr8:142,911,443, G>A on the plus strand (C>T on the coding strand, the complement: CYP11B2 is on the minus strand). VCF-style: chr8-142911443-G-A. GRCh37 (hg19) VCF-style: chr8-143992859-G-A.
Identifiers: ClinVar variation 362183 (VCV000362183.6), dbSNP rs72499120, ClinGen allele CA10630440.